The following is an entry in ClinVar:

ClinVar aggregate classification (germline): Uncertain significance (1 of 4 stars; one submission).

Conditions:
Autosomal dominant nocturnal frontal lobe epilepsy 5. Also called: Epilepsy, nocturnal frontal lobe, 5; CILIARY DYSKINESIA, PRIMARY, 28, WITHOUT SITUS INVERSUS; CILIARY DYSKINESIA, PRIMARY, 28, WITH SITUS INVERSUS; KCNT1-Related Epilepsy. Identifiers: Orphanet 98784, MedGen C3554306, MONDO:0014002, OMIM 615005.
Developmental and epileptic encephalopathy, 14 (DEE14). Also called: Early infantile epileptic encephalopathy 14. Identifiers: Orphanet 293181, MedGen C3554195, MONDO:0013989, OMIM 614959.

Allele frequency attached by ClinVar (database versions not stated): TOPMed below 0.00001; gnomAD 0.00001.
gnomAD v4.1: 11 of 1,598,924 alleles (0.00069%); highest among the groups gnomAD compares: African/African-American, 0.0013%; no homozygotes.

Submission:

Labcorp Genetics (formerly Invitae), Labcorp
Classification: Uncertain significance for Autosomal dominant nocturnal frontal lobe epilepsy 5; Developmental and epileptic encephalopathy, 14. Last evaluated: 2025-09-27. Review status: criteria provided, single submitter. Criteria: Invitae Variant Classification Sherloc (09022015). Collection method: clinical testing. Allele origin: germline.
Comment: This sequence change falls in intron 18 of the KCNT1 gene. It does not directly change the encoded amino acid sequence of the KCNT1 protein. The frequency data for this variant in the population databases is considered unreliable, as metrics indicate poor data quality at this position in the gnomAD database. This variant has not been reported in the literature in individuals affected with KCNT1-related conditions. ClinVar contains an entry for this variant (Variation ID: 2946467). Algorithms developed to predict the effect of sequence changes on RNA splicing suggest that this variant may create or strengthen a splice site. In summary, the available evidence is currently insufficient to determine the role of this variant in disease. Therefore, it has been classified as a Variant of Uncertain Significance.

NM_020822.3(KCNT1):c.2008+16C>T

Gene: KCNT1 (potassium sodium-activated channel subfamily T member 1; plus strand). Cytogenetic location: 9q34.3.
Variant type: single nucleotide variant.
Coding change: c.2008+16C>T on transcript NM_020822.3 (MANE Select); 16 bases into the intron after coding-DNA position 2008, C replaced by T.
Molecular consequence: intron variant.
Genome position (GRCh38, 1-based): chr9:135,771,111, C>T. VCF-style: chr9-135771111-C-T. GRCh37 (hg19) VCF-style: chr9-138662957-C-T.
Other names: c.1873+16C>T (NM_001272003.2).
Identifiers: ClinVar variation 2946467 (VCV002946467.3), dbSNP rs751096842, ClinGen allele CA5327150.